The following is an entry in ClinVar:

NM_020975.6(RET):c.488G>A (p.Arg163Gln)

Gene: RET (ret proto-oncogene; plus strand). Cytogenetic location: 10q11.21.
Variant type: single nucleotide variant.
Coding change: c.488G>A on transcript NM_020975.6 (MANE Select); coding-DNA position 488, G replaced by A.
Protein change: p.Arg163Gln; replaces arginine 163 with glutamine.
Molecular consequence: missense variant.
Genome position (GRCh38, 1-based): chr10:43,102,492, G>A. VCF-style: chr10-43102492-G-A. GRCh37 (hg19) VCF-style: chr10-43597940-G-A.
Other names: c.488G>A, p.Arg163Gln (NM_000323.2, NM_001406743.1, NM_001406744.1 and 16 more transcripts); c.359G>A, p.Arg120Gln (NM_001406761.1, NM_001406762.1, NM_001406764.1 and 4 more transcripts); short protein forms R163Q, R120Q.
Identifiers: ClinVar variation 135184 (VCV000135184.37), dbSNP rs149403911, ClinGen allele CA009263.

ClinVar aggregate classification (germline): Conflicting classifications of pathogenicity. Review status: criteria provided, conflicting classifications (1 of 4 stars). 6 submissions from 6 submitters: Uncertain significance (4); Benign (1). 1 of the submissions does not count toward it. Last evaluated 2025-12-22.

Conditions:
Pheochromocytoma. Also called: MAX-Related Hereditary Paraganglioma-Pheochromocytoma Syndrome. Identifiers: Orphanet 29072, MedGen C0031511, MONDO:0008233, OMIM 171300, HP:0002666.
Hirschsprung disease, susceptibility to, 1 (HSCR1). Also called: RET-Related Hirschsprung Disease. Identifiers: Orphanet 388, MedGen C3888239, MONDO:0007723, OMIM 142623.
Familial medullary thyroid carcinoma (MTC). Also called: Thyroid cancer, familial medullary; MTC, familial; Familial Medullary Thyroid Carcinoma (FMTC). Identifiers: Orphanet 653, Orphanet 99361, MedGen C1833921, MONDO:0007958, OMIM 155240.
Multiple endocrine neoplasia type 2B. Also called: MEN IIB; NEUROMATA, MUCOSAL, WITH ENDOCRINE TUMORS; WAGENMANN-FROBOESE SYNDROME; MULTIPLE ENDOCRINE NEOPLASIA, TYPE III; MULTIPLE ENDOCRINE NEOPLASIA, TYPE IIB; MEN 2B. Identifiers: Orphanet 247709, Orphanet 653, MedGen C0025269, MeSH D018814, MONDO:0008082, OMIM 162300.
Multiple endocrine neoplasia type 2A. Also called: Multiple Endocrine Neoplasia Type 2A (MEN2A); MULTIPLE ENDOCRINE NEOPLASIA, TYPE IIA; PTC SYNDROME; SIPPLE SYNDROME; MEN 2A; MEN-2A syndrome. Identifiers: Orphanet 247698, Orphanet 653, MedGen C0025268, MeSH D018813, MONDO:0008234, OMIM 171400.
Hereditary cancer-predisposing syndrome. Also called: Tumor predisposition; Hereditary neoplastic syndrome; Hereditary Cancer Syndrome; Neoplastic Syndromes, Hereditary. Identifiers: Orphanet 140162, MedGen C0027672, MeSH D009386, MONDO:0015356.
Multiple endocrine neoplasia, type 2 (MEN2). Identifiers: Orphanet 653, MedGen C4048306, MONDO:0019003. Disease mechanism: gain of function.

Allele frequency attached by ClinVar (database versions not stated): gnomAD exomes 0.00001 and 0.00002; ExAC 0.00002; ESP Exome Variant Server 0.00008.

Submissions (6):

Labcorp Genetics (formerly Invitae), Labcorp
Classification: Uncertain significance for Multiple endocrine neoplasia, type 2. Last evaluated: 2025-12-22. Review status: criteria provided, single submitter. Criteria: Invitae Variant Classification Sherloc (09022015). Collection method: clinical testing. Allele origin: germline.
Comment: This sequence change replaces arginine, which is basic and polar, with glutamine, which is neutral and polar, at codon 163 of the RET protein (p.Arg163Gln). This variant is present in population databases (rs149403911, gnomAD 0.01%). This variant has not been reported in the literature in individuals affected with RET-related conditions. ClinVar contains an entry for this variant (Variation ID: 135184). An algorithm developed to predict the effect of missense changes on protein structure and function outputs the following: PolyPhen-2: "Benign". The glutamine amino acid residue is found in multiple mammalian species, which suggests that this missense change does not adversely affect protein function. In summary, the available evidence is currently insufficient to determine the role of this variant in disease. Therefore, it has been classified as a Variant of Uncertain Significance.

All of Us Research Program, National Institutes of Health
Classification: Uncertain significance for Multiple endocrine neoplasia, type 2. Last evaluated: 2024-05-30. Review status: criteria provided, single submitter. Criteria: ACMG Guidelines, 2015. Collection method: clinical testing. Allele origin: germline. Inheritance: Autosomal dominant inheritance. Observed: 2 variant alleles, 2 heterozygotes.
Comment: This missense variant replaces arginine with glutamine at codon 163 of the RET protein. Computational prediction suggests that this variant may not impact protein structure and function (internally defined REVEL score threshold <= 0.5, PMID: 27666373). To our knowledge, functional studies have not been reported for this variant. This variant has not been reported in individuals affected with hereditary cancer in the literature. This variant has been identified in 5/251418 chromosomes in the general population by the Genome Aggregation Database (gnomAD). The available evidence is insufficient to determine the role of this variant in disease conclusively. Therefore, this variant is classified as a Variant of Uncertain Significance.

This study involves interpretation of variants in research participants for the purpose of population health screening. Participant phenotype was not available at the time of variant classification. Additional details can be found in publication PMID: 35346344, PMCID: PMC8962531

Color Diagnostics, LLC DBA Color Health
Classification: Uncertain significance for Multiple endocrine neoplasia, type 2. Last evaluated: 2024-02-07. Review status: criteria provided, single submitter. Criteria: ACMG Guidelines, 2015. Collection method: clinical testing. Allele origin: germline.
Comment: This missense variant replaces arginine with glutamine at codon 163 of the RET protein. Computational prediction suggests that this variant may not impact protein structure and function. To our knowledge, functional studies have not been reported for this variant. This variant has not been reported in individuals affected with RET-related cancer in the literature. This variant has been identified in 5/251418 chromosomes in the general population by the Genome Aggregation Database (gnomAD). The available evidence is insufficient to determine the role of this variant in disease conclusively. Therefore, this variant is classified as a Variant of Uncertain Significance.

Fulgent Genetics
Classification: Uncertain significance for Hirschsprung disease, susceptibility to, 1; Familial medullary thyroid carcinoma; Multiple endocrine neoplasia type 2B; Pheochromocytoma; Multiple endocrine neoplasia type 2A. Last evaluated: 2021-12-14. Review status: criteria provided, single submitter. Criteria: ACMG Guidelines, 2015. Collection method: clinical testing. Allele origin: unknown.

Ambry Genetics
Classification: Benign for Hereditary cancer-predisposing syndrome. Last evaluated: 2021-09-02. Review status: criteria provided, single submitter. Criteria: Ambry Variant Classification Scheme 2023. Collection method: clinical testing. Allele origin: germline.

ITMI
No classification provided. Condition: AllHighlyPenetrant. Last evaluated: 2013-09-19. Review status: no classification provided. Collection method: reference population. Allele origin: germline. Not counted in ClinVar's aggregate classification.
Comment: Please see associated publication for description of ethnicities

Literature cited by the submitters: PubMed 24728327 (cited by Ambry Genetics and ITMI).